The following is an entry in ClinVar:

ClinVar aggregate classification (germline): Uncertain significance (1 of 4 stars; one submission).

Submission:

ISCA site 4
Classification: Uncertain significance. Last evaluated: 2011-08-12. Review status: criteria provided, single submitter. Criteria: Kaminsky et al. (Genet Med. 2011). Collection method: clinical testing. Allele origin: unknown. Affected: yes. Observed: 1 variant allele.
Comment: Copy number variation identified through the course of routine clinical cytogenomic testing in postnatal populations. Clinical assertions have been curated as described in Kaminsky et al. 2011.

GRCh38/hg38 21q22.3(chr21:43651490-43783031)x3

Genes: CSTB (cystatin B; minus strand), HSF2BP (heat shock transcription factor 2 binding protein; minus strand), PDXK (pyridoxal kinase; plus strand), RRP1B (ribosomal RNA processing 1B; plus strand), LOC108254685 (PDXK-CSTB intergenic CAGE-defined low expression enhancer; plus strand) and 11 more. Cytogenetic location: 21q22.3.
Variant type: copy number gain.
Change: copy number 3 (three copies instead of two) of chr21:43,651,490-43,783,031 (131.5 kb, GRCh38 coordinates, 1-based), cytogenetic band 21q22.3.
Identifiers: ClinVar variation 59033 (VCV000059033.1).